The following is an entry in ClinVar:

NM_003730.6(RNASET2):c.87-9T>A

Gene: RNASET2 (ribonuclease T2; minus strand). Cytogenetic location: 6q27.
Variant type: single nucleotide variant.
Coding change: c.87-9T>A on transcript NM_003730.6 (MANE Select); 9 bases into the intron before coding-DNA position 87, T replaced by A.
Molecular consequence: intron variant.
Genome position (GRCh38, 1-based): chr6:166,952,557, A>T on the plus strand (T>A on the coding strand, the complement: RNASET2 is on the minus strand). VCF-style: chr6-166952557-A-T. GRCh37 (hg19) VCF-style: chr6-167366045-A-T.
Identifiers: ClinVar variation 2160361 (VCV002160361.4), dbSNP rs2483238074, ClinGen allele CA2580075325.

ClinVar aggregate classification (germline): Uncertain significance (1 of 4 stars; one submission).

gnomAD v4.1: 2 of 1,607,538 alleles (0.00012%); highest among the groups gnomAD compares: Non-Finnish European, 0.00017%; no homozygotes.

Submission:

Labcorp Genetics (formerly Invitae), Labcorp
Classification: Uncertain significance. Last evaluated: 2022-05-28. Review status: criteria provided, single submitter. Criteria: Invitae Variant Classification Sherloc (09022015). Collection method: clinical testing. Allele origin: germline.
Comment: This sequence change falls in intron 1 of the RNASET2 gene. It does not directly change the encoded amino acid sequence of the RNASET2 protein. This variant is not present in population databases (gnomAD no frequency). This variant has not been reported in the literature in individuals affected with RNASET2-related conditions. Algorithms developed to predict the effect of sequence changes on RNA splicing suggest that this variant may disrupt the consensus splice site. In summary, the available evidence is currently insufficient to determine the role of this variant in disease. Therefore, it has been classified as a Variant of Uncertain Significance.